The following is an entry in ClinVar:

NM_000290.4(PGAM2):c.62G>A (p.Arg21His)

Genes: DBNL (drebrin like; plus strand), PGAM2 (phosphoglycerate mutase 2; minus strand). Cytogenetic location: 7p13.
Variant type: single nucleotide variant.
Coding change: c.62G>A on transcript NM_000290.4 (MANE Select); coding-DNA position 62, G replaced by A.
Protein change: p.Arg21His; replaces arginine 21 with histidine.
Molecular consequence: missense variant. On other transcripts: 3 prime UTR variant (6).
Genome position (GRCh38, 1-based): chr7:44,065,468, C>T on the plus strand (G>A on the coding strand, the complement: PGAM2 is on the minus strand). VCF-style: chr7-44065468-C-T. GRCh37 (hg19) VCF-style: chr7-44105067-C-T.
Other names: c.*4552C>T (NM_001014436.3, NM_001122956.2, NM_001284313.2 and 3 more transcripts); short protein forms R21H.
Identifiers: ClinVar variation 943301 (VCV000943301.7), dbSNP rs1392611950, ClinGen allele CA367370319.

ClinVar aggregate classification (germline): Uncertain significance (1 of 4 stars; one submission).

Conditions:
Glycogen storage disease type X (GSD10). Also called: MYOPATHY DUE TO PHOSPHOGLYCERATE MUTASE DEFICIENCY; PGAMM DEFICIENCY; PHOSPHOGLYCERATE MUTASE, MUSCLE, DEFICIENCY OF; Glycogen storage disease due to phosphoglycerate mutase deficiency; GSD X; Dimauro disease. Identifiers: Orphanet 97234, MedGen C0268149, MONDO:0009865, OMIM 261670.

Allele frequency attached by ClinVar (database versions not stated): TOPMed below 0.00001; gnomAD exomes 0.00001.
gnomAD v4.1: 9 of 1,614,130 alleles (0.00056%); highest among the groups gnomAD compares: South Asian, 0.0033%; no homozygotes.

Submission:

Labcorp Genetics (formerly Invitae), Labcorp
Classification: Uncertain significance for Glycogen storage disease type X. Last evaluated: 2019-06-20. Review status: criteria provided, single submitter. Criteria: Invitae Variant Classification Sherloc (09022015). Collection method: clinical testing. Allele origin: germline.
Comment: In summary, the available evidence is currently insufficient to determine the role of this variant in disease. Therefore, it has been classified as a Variant of Uncertain Significance. Algorithms developed to predict the effect of missense changes on protein structure and function are either unavailable or do not agree on the potential impact of this missense change (SIFT: "Tolerated"; PolyPhen-2: "Probably Damaging"; Align-GVGD: "Class C0"). This variant has not been reported in the literature in individuals with PGAM2-related conditions. This variant is not present in population databases (ExAC no frequency). This sequence change replaces arginine with histidine at codon 21 of the PGAM2 protein (p.Arg21His). The arginine residue is highly conserved and there is a small physicochemical difference between arginine and histidine.